The following is an entry in ClinVar:

ClinVar aggregate classification (germline): Uncertain significance (1 of 4 stars; one submission).

Submission:

Labcorp Genetics (formerly Invitae), Labcorp
Classification: Uncertain significance. Last evaluated: 2023-10-04. Review status: criteria provided, single submitter. Criteria: Invitae Variant Classification Sherloc (09022015). Collection method: clinical testing. Allele origin: germline.
Comment: This sequence change replaces serine, which is neutral and polar, with leucine, which is neutral and non-polar, at codon 1040 of the TCF20 protein (p.Ser1040Leu). This variant is not present in population databases (gnomAD no frequency). This variant has not been reported in the literature in individuals affected with TCF20-related conditions. An algorithm developed to predict the effect of missense changes on protein structure and function (PolyPhen-2) suggests that this variant is likely to be disruptive. In summary, the available evidence is currently insufficient to determine the role of this variant in disease. Therefore, it has been classified as a Variant of Uncertain Significance.

NM_001378418.1(TCF20):c.3119C>T (p.Ser1040Leu)

Gene: TCF20 (transcription factor 20; minus strand). Cytogenetic location: 22q13.2.
Variant type: single nucleotide variant.
Coding change: c.3119C>T on transcript NM_001378418.1 (MANE Select); coding-DNA position 3119, C replaced by T.
Protein change: p.Ser1040Leu; replaces serine 1040 with leucine.
Molecular consequence: missense variant.
Genome position (GRCh38, 1-based): chr22:42,212,187, G>A on the plus strand (C>T on the coding strand, the complement: TCF20 is on the minus strand). VCF-style: chr22-42212187-G-A. GRCh37 (hg19) VCF-style: chr22-42608193-G-A.
Other names: c.3119C>T, p.Ser1040Leu (NM_181492.3, NM_005650.4); short protein forms S1040L.
Identifiers: ClinVar variation 2765368 (VCV002765368.3), dbSNP rs2147207397, ClinGen allele CA411787187.